The following is an entry in ClinVar:

ClinVar aggregate classification (germline): Uncertain significance (1 of 4 stars; one submission).

Allele frequency attached by ClinVar (database versions not stated): gnomAD exomes 0.00001; ExAC 0.00001.
gnomAD v4.1: 2 of 1,614,214 alleles (0.00012%); highest among the groups gnomAD compares: Admixed American, 0.0033%; no homozygotes.

Submission:

Genetic Services Laboratory, University of Chicago
Classification: Uncertain significance. Last evaluated: 2021-06-16. Review status: criteria provided, single submitter. Criteria: ACMG Guidelines, 2015. Collection method: clinical testing. Allele origin: germline. Affected: no.
Comment: DNA sequence analysis of the FANCE gene demonstrated a sequence change, c.373C>G, in exon 2 that results in an amino acid change, p.Leu125Val. This sequence change has been described in the gnomAD database with a frequency of 0.0058% in the Latino/Admixed American subpopulation (dbSNP rs772594350). The p.Leu125Val change affects a poorly conserved amino acid residue located in a domain of the FANCE protein that is not known to be functional. The p.Leu125Val substitution appears to be benign using several in-silico pathogenicity prediction tools (SIFT, PolyPhen2, Align GVGD, REVEL). This sequence change does not appear to have been previously described in patients with FANCE-related disorders. Due to insufficient evidences and the lack of functional studies, the clinical significance of the p.Leu125Val change remains unknown at this time.

NM_021922.3(FANCE):c.373C>G (p.Leu125Val)

Gene: FANCE (FA complementation group E; plus strand). Cytogenetic location: 6p21.31.
Variant type: single nucleotide variant.
Coding change: c.373C>G on transcript NM_021922.3 (MANE Select); coding-DNA position 373, C replaced by G.
Protein change: p.Leu125Val; replaces leucine 125 with valine.
Molecular consequence: missense variant.
Genome position (GRCh38, 1-based): chr6:35,455,871, C>G. VCF-style: chr6-35455871-C-G. GRCh37 (hg19) VCF-style: chr6-35423648-C-G.
Other names: short protein forms L125V.
Identifiers: ClinVar variation 1337992 (VCV001337992.4), dbSNP rs772594350, ClinGen allele CA3771396.